The following is an entry in ClinVar:

NM_006767.4(LZTR1):c.1491_1507dup (p.Gly503fs)

Gene: LZTR1 (leucine zipper like post translational regulator 1; plus strand). Cytogenetic location: 22q11.21.
Variant type: Duplication.
Coding change: c.1491_1507dup on transcript NM_006767.4 (MANE Select); coding-DNA positions 1491 to 1507, 17 bases duplicated (CGGCGTGGCTGCTGGTG).
Protein change: p.Gly503fs; shifts the reading frame from glycine 503.
Molecular consequence: frameshift variant.
Genome position (GRCh38, 1-based): chr22:20,994,145-20,994,161, CGGCGTGGCTGCTGGTG duplicated. VCF-style (leftmost placement, unchanged base first): chr22-20994144-C-CCGGCGTGGCTGCTGGTG. GRCh37 (hg19) VCF-style: chr22-21348433-C-CCGGCGTGGCTGCTGGTG.
Other names: short protein forms G503fs.
Identifiers: ClinVar variation 3697088 (VCV003697088.3).

ClinVar aggregate classification (germline): Pathogenic/Likely pathogenic. Review status: criteria provided, multiple submitters, no conflicts (2 of 4 stars). 2 submissions from 2 submitters: Pathogenic (1); Likely pathogenic (1). Last evaluated 2025-09-29.

Conditions:
LZTR1-related schwannomatosis. Also called: Schwannomatosis 2; Schwannomatosis-2, susceptibility to. Identifiers: Orphanet 93921, MedGen C3810283, MONDO:0014299, OMIM 615670.

Submissions (2):

Institute for Genomic Medicine (IGM) Clinical Laboratory, Nationwide Children's Hospital
Classification: Likely pathogenic for LZTR1-related schwannomatosis. Last evaluated: 2025-09-29. Review status: criteria provided, single submitter. Criteria: ACMG Guidelines, 2015. Collection method: clinical testing. Allele origin: germline.
Comment: This variant is predicted to result in loss of function through nonsense-mediated decay of the encoded transcript or premature truncation of the encoded protein in a gene in which loss of function is a known mechanism of disease (ACMG/AMP: PVS1; PMIDs:25480913, 24362817, 25335493). This variant is absent from or present at an exceedingly low frequency in gnomAD, a large-scale control population database (ACMG/AMP: PM2).

Labcorp Genetics (formerly Invitae), Labcorp
Classification: Pathogenic. Last evaluated: 2024-12-03. Review status: criteria provided, single submitter. Criteria: Invitae Variant Classification Sherloc (09022015). Collection method: clinical testing. Allele origin: germline.
Comment: This sequence change creates a premature translational stop signal (p.Gly503Alafs*59) in the LZTR1 gene. It is expected to result in an absent or disrupted protein product. Loss-of-function variants in LZTR1 are known to be pathogenic (PMID: 24362817, 25335493, 25480913, 25795793, 29469822, 30368668, 30442762, 30442766, 30481304, 30859559). This variant is not present in population databases (gnomAD no frequency). This variant has not been reported in the literature in individuals affected with LZTR1-related conditions. For these reasons, this variant has been classified as Pathogenic.

Literature cited by the submitters: PubMed 25480913 (cited by Institute for Genomic Medicine (IGM) Clinical Laboratory, Nationwide Children's Hospital and Labcorp Genetics (formerly Invitae), Labcorp); PubMed 24362817 (cited by Institute for Genomic Medicine (IGM) Clinical Laboratory, Nationwide Children's Hospital and Labcorp Genetics (formerly Invitae), Labcorp); PubMed 25335493 (cited by Institute for Genomic Medicine (IGM) Clinical Laboratory, Nationwide Children's Hospital and Labcorp Genetics (formerly Invitae), Labcorp); PubMed 25795793 (cited by Labcorp Genetics (formerly Invitae), Labcorp); PubMed 29469822 (cited by Labcorp Genetics (formerly Invitae), Labcorp); PubMed 30368668 (cited by Labcorp Genetics (formerly Invitae), Labcorp); PubMed 30442762 (cited by Labcorp Genetics (formerly Invitae), Labcorp); PubMed 30442766 (cited by Labcorp Genetics (formerly Invitae), Labcorp); PubMed 30481304 (cited by Labcorp Genetics (formerly Invitae), Labcorp); PubMed 30859559 (cited by Labcorp Genetics (formerly Invitae), Labcorp).